The following is an entry in ClinVar:

ClinVar aggregate classification (germline): Uncertain significance (1 of 4 stars; one submission).

Allele frequency attached by ClinVar (database versions not stated): ExAC 0.00002; gnomAD 0.00003; TOPMed 0.00004; gnomAD exomes 0.00005.
gnomAD v4.1: 69 of 1,610,744 alleles (0.0043%); highest among the groups gnomAD compares: Non-Finnish European, 0.0055%; no homozygotes.

Submissions (2):

Labcorp Genetics (formerly Invitae), Labcorp
Classification: Uncertain significance. Last evaluated: 2025-12-22. Review status: criteria provided, single submitter. Criteria: Invitae Variant Classification Sherloc (09022015). Collection method: clinical testing. Allele origin: germline.
Comment: This sequence change replaces alanine, which is neutral and non-polar, with valine, which is neutral and non-polar, at codon 505 of the TNFRSF11A protein (p.Ala505Val). This variant is present in population databases (rs761595131, gnomAD 0.01%). This variant has not been reported in the literature in individuals affected with TNFRSF11A-related conditions. ClinVar contains an entry for this variant (Variation ID: 1895846). An algorithm developed to predict the effect of missense changes on protein structure and function outputs the following: PolyPhen-2: "Benign". The valine amino acid residue is found in multiple mammalian species, which suggests that this missense change does not adversely affect protein function. In summary, the available evidence is currently insufficient to determine the role of this variant in disease. Therefore, it has been classified as a Variant of Uncertain Significance.

Dr. Peter K. Rogan Lab, Western University
No classification provided (evidence only). Condition: Lung cancer. Review status: no classification provided. Collection method: in vitro. Allele origin: not applicable. Functional consequence: skipped exon. Not counted in ClinVar's aggregate classification.

NM_003839.4(TNFRSF11A):c.1514C>T (p.Ala505Val)

Gene: TNFRSF11A (TNF receptor superfamily member 11a; plus strand). Cytogenetic location: 18q21.33.
Variant type: single nucleotide variant.
Coding change: c.1514C>T on transcript NM_003839.4 (MANE Select); coding-DNA position 1514, C replaced by T.
Protein change: p.Ala505Val; replaces alanine 505 with valine.
Molecular consequence: missense variant. On other transcripts: intron variant (3).
Genome position (GRCh38, 1-based): chr18:62,369,431, C>T. VCF-style: chr18-62369431-C-T. GRCh37 (hg19) VCF-style: chr18-60036664-C-T.
Other names: c.1472C>T, p.Ala491Val (NM_001278268.2); c.783+2671C>T (NM_001270949.2); c.730+7638C>T (NM_001270950.2); c.616+9382C>T (NM_001270951.2); short protein forms A491V, A505V.
Identifiers: ClinVar variation 1895846 (VCV001895846.6), dbSNP rs761595131, ClinGen allele CA8983977.
Genomic context (GRCh38, chr18:62,369,431, plus strand): 5'-GCAGGACGGAGGCCAGAGACCAGCCCGAGGATGGGGCTGATGGGAGGCTCCCAAGCTCAG[C>T]GAGGGCAGGTGCCGGGTCTGGAAGCTCCCCTGGTGGCCAGTCCCCTGCATCTGGTAAGTG-3'
Protein context (NP_003830.1, residues 495-515): DGADGRLPSS[Ala505Val]RAGAGSGSSP